The following is an entry in ClinVar:

NM_025114.4(CEP290):c.739G>C (p.Val247Leu)

Gene: CEP290 (centrosomal protein 290; minus strand). Cytogenetic location: 12q21.32.
Variant type: single nucleotide variant.
Coding change: c.739G>C on transcript NM_025114.4 (MANE Select); coding-DNA position 739, G replaced by C.
Protein change: p.Val247Leu; replaces valine 247 with leucine.
Molecular consequence: missense variant.
Genome position (GRCh38, 1-based): chr12:88,129,807, C>G on the plus strand (G>C on the coding strand, the complement: CEP290 is on the minus strand). VCF-style: chr12-88129807-C-G. GRCh37 (hg19) VCF-style: chr12-88523584-C-G.
Other names: short protein forms V247L.
Identifiers: ClinVar variation 2643208 (VCV002643208.24), dbSNP rs1409885182, ClinGen allele CA385985538.
Genomic context (GRCh38, chr12:88,129,807, plus strand): 5'-TCTGATGCACAATAGCTTTCATTCTATTATATTCATCAGTCATCTTCTCCATTTCCTGTA[C>G]AGACTCTTCTAAATTTTTTCTCATTTCTTGATTCTGAACTTCAATTTTCTCATTAGCTTC-3'
Protein context (NP_079390.3, residues 237-257): QEMRKNLEES[Val247Leu]QEMEKMTDEY

ClinVar aggregate classification (germline): Uncertain significance (1 of 4 stars; one submission).

Submission:

CeGaT Center for Human Genetics Tuebingen
Classification: Uncertain significance. Last evaluated: 2022-10-01. Review status: criteria provided, single submitter. Criteria: CeGaT Center For Human Genetics Tuebingen Variant Classification Criteria Version 2. Collection method: clinical testing. Allele origin: germline. Affected: yes. Observed: 1 variant allele.
Comment: CEP290: PM2